The following is an entry in ClinVar:

ClinVar aggregate classification (germline): Uncertain significance (1 of 4 stars; one submission).

Allele frequency attached by ClinVar (database versions not stated): gnomAD exomes 0.00001; TOPMed 0.00001 and below 0.00001; gnomAD 0.00001; ExAC 0.00001.
gnomAD v4.1: 25 of 1,613,860 alleles (0.0015%); highest among the groups gnomAD compares: Non-Finnish European, 0.002%; no homozygotes.

Submission:

GeneDx
Classification: Uncertain significance. Last evaluated: 2013-09-27. Review status: criteria provided, single submitter. Criteria: GeneDx Variant Classification (06012015). Collection method: clinical testing. Allele origin: germline. Affected: yes.
Comment: Missense variants in the TTN gene are considered 'unclassified' if they are not previously reported in the literature and do not have >1% frequency in the population to be considered a polymorphism. Research indicates that truncating mutations in the TTN gene are expected to account for approximately 25% of familial and 18% of sporadic idiopathic DCM; however, truncating variants in the TTN gene have been reported in approximately 3% of reported control alleles. There has been little investigation into non-truncating variants. (Herman D et al. Truncations of titin causing dilated cardiomyopathy. N Eng J Med 366:619-628, 2012) The variant is found in DCM panel(s).

NM_001267550.2(TTN):c.104047C>G (p.Leu34683Val)

Genes: TTN (titin; minus strand), TTN-AS1 (TTN antisense RNA 1; plus strand). Cytogenetic location: 2q31.2.
Variant type: single nucleotide variant.
Coding change: c.104047C>G on transcript NM_001267550.2 (MANE Select); coding-DNA position 104047, C replaced by G.
Protein change: p.Leu34683Val; replaces leucine 34683 with valine.
Molecular consequence: missense variant.
Genome position (GRCh38, 1-based): chr2:178,532,568, G>C on the plus strand (C>G on the coding strand, the complement: TTN is on the minus strand). VCF-style: chr2-178532568-G-C. GRCh37 (hg19) VCF-style: chr2-179397295-G-C.
Other names: p.L33042V:CTT>GTT; c.99124C>G, p.Leu33042Val (NM_001256850.1); c.76852C>G, p.Leu25618Val (NM_003319.4); c.96343C>G, p.Leu32115Val (NM_133378.4); c.77227C>G, p.Leu25743Val (NM_133432.3); c.77428C>G, p.Leu25810Val (NM_133437.4); short protein forms L33042V, L34683V, L32115V, L25743V, L25810V, L25618V.
Identifiers: ClinVar variation 203075 (VCV000203075.2), dbSNP rs775454484, ClinGen allele CA311163.